The following is an entry in ClinVar:

NM_003791.4(MBTPS1):c.2658G>T (p.Gln886His)

Gene: MBTPS1 (membrane bound transcription factor peptidase, site 1; minus strand). Cytogenetic location: 16q23.3.
Variant type: single nucleotide variant.
Coding change: c.2658G>T on transcript NM_003791.4 (MANE Select); coding-DNA position 2658, G replaced by T.
Protein change: p.Gln886His; replaces glutamine 886 with histidine.
Molecular consequence: missense variant.
Genome position (GRCh38, 1-based): chr16:84,060,728, C>A on the plus strand (G>T on the coding strand, the complement: MBTPS1 is on the minus strand). VCF-style: chr16-84060728-C-A. GRCh37 (hg19) VCF-style: chr16-84094333-C-A.
Other names: c.2658G>T (NM_003791.2); short protein forms Q886H.
Identifiers: ClinVar variation 3615436 (VCV003615436.2).
Genomic context (GRCh38, chr16:84,060,728, plus strand): 5'-GCCCATCCACTCACCTTCCATCCTCTCTGGAGTGACTGAGCCTGCTCCACTGGGAGGGCG[C>A]TGGCGGTTCCCAGAGTGACTGAGGCTAGGCGGTGTCACCCCATACGATGTGTACTGGAGG-3'
Protein context (NP_003782.1, residues 876-896): PPSLSHSGNR[Gln886His]RPPSGAGSVT

ClinVar aggregate classification (germline): Uncertain significance. Review status: criteria provided, multiple submitters, no conflicts (2 of 4 stars). 2 submissions from 2 submitters: Uncertain significance (2). Last evaluated 2025-05-04.

Conditions:
Inborn genetic diseases. Identifiers: MedGen C0950123, MeSH D030342.

gnomAD v4.1: 38 of 1,613,546 alleles (0.0024%); highest among the groups gnomAD compares: Non-Finnish European, 0.0031%; no homozygotes.

Submissions (2):

Ambry Genetics
Classification: Uncertain significance for Inborn genetic diseases. Last evaluated: 2025-05-04. Review status: criteria provided, single submitter. Criteria: Ambry Variant Classification Scheme 2023. Collection method: clinical testing. Allele origin: germline.

Labcorp Genetics (formerly Invitae), Labcorp
Classification: Uncertain significance. Last evaluated: 2024-10-08. Review status: criteria provided, single submitter. Criteria: Invitae Variant Classification Sherloc (09022015). Collection method: clinical testing. Allele origin: germline.
Comment: This sequence change replaces glutamine, which is neutral and polar, with histidine, which is basic and polar, at codon 886 of the MBTPS1 protein (p.Gln886His). This variant is present in population databases (rs750185773, gnomAD 0.002%). This variant has not been reported in the literature in individuals affected with MBTPS1-related conditions. An algorithm developed to predict the effect of missense changes on protein structure and function outputs the following: PolyPhen-2: "Benign". The histidine amino acid residue is found in multiple mammalian species, which suggests that this missense change does not adversely affect protein function. In summary, the available evidence is currently insufficient to determine the role of this variant in disease. Therefore, it has been classified as a Variant of Uncertain Significance.